The following is an entry in ClinVar:

ClinVar aggregate classification (germline): Pathogenic/Likely pathogenic. Review status: criteria provided, multiple submitters, no conflicts (2 of 4 stars). 2 submissions from 2 submitters: Pathogenic (1); Likely pathogenic (1). Last evaluated 2025-01-26.

Conditions:
Bardet-Biedl syndrome (BBS). Identifiers: Orphanet 110, MedGen C0752166, MONDO:0015229.
McKusick-Kaufman syndrome (MKKS). Also called: HYDROMETROCOLPOS SYNDROME; HYDROMETROCOLPOS, POSTAXIAL POLYDACTYLY, AND CONGENITAL HEART MALFORMATION. Identifiers: Orphanet 2473, MedGen C0948368, MONDO:0009367, OMIM 236700.
MKKS-related disorder. Also called: MKKS-related condition; MKKS-related disorders.

Allele frequency attached by ClinVar (database versions not stated): gnomAD exomes below 0.00001.
gnomAD v4.1: 1 of 1,614,048 alleles (0.000062%); highest among the groups gnomAD compares: Non-Finnish European, 0.000085%; no homozygotes.

Submissions (2):

Labcorp Genetics (formerly Invitae), Labcorp
Classification: Pathogenic for McKusick-Kaufman syndrome; Bardet-Biedl syndrome. Last evaluated: 2025-01-26. Review status: criteria provided, single submitter. Criteria: Invitae Variant Classification Sherloc (09022015). Collection method: clinical testing. Allele origin: germline.
Comment: This sequence change creates a premature translational stop signal (p.Trp383*) in the MKKS gene. It is expected to result in an absent or disrupted protein product. Loss-of-function variants in MKKS are known to be pathogenic (PMID: 11179009, 28761321, 30614526). This variant is not present in population databases (gnomAD no frequency). This variant has not been reported in the literature in individuals affected with MKKS-related conditions. ClinVar contains an entry for this variant (Variation ID: 2629959). For these reasons, this variant has been classified as Pathogenic.

PreventionGenetics, part of Exact Sciences
Classification: Likely pathogenic for MKKS-related condition. Last evaluated: 2023-01-14. Review status: criteria provided, single submitter. Criteria: ACMG Guidelines, 2015. Collection method: clinical testing. Allele origin: germline.
Comment: The MKKS c.1148G>A variant is predicted to result in premature protein termination (p.Trp383*). To our knowledge, this variant has not been reported in the literature or in a large population database, indicating this variant is rare. Nonsense variants in MKKS are expected to be pathogenic. This variant is interpreted as likely pathogenic.

Literature cited by the submitters: PubMed 11179009 (cited by Labcorp Genetics (formerly Invitae), Labcorp); PubMed 28761321 (cited by Labcorp Genetics (formerly Invitae), Labcorp); PubMed 30614526 (cited by Labcorp Genetics (formerly Invitae), Labcorp).

NM_170784.3(MKKS):c.1148G>A (p.Trp383Ter)

Gene: MKKS (MKKS centrosomal shuttling protein; minus strand). Cytogenetic location: 20p12.2.
Variant type: single nucleotide variant.
Coding change: c.1148G>A on transcript NM_170784.3 (MANE Select); coding-DNA position 1148, G replaced by A.
Protein change: p.Trp383Ter; replaces tryptophan 383 with a stop codon.
Molecular consequence: nonsense. On other transcripts: non-coding transcript variant (1).
Genome position (GRCh38, 1-based): chr20:10,408,641, C>T on the plus strand (G>A on the coding strand, the complement: MKKS is on the minus strand). VCF-style: chr20-10408641-C-T. GRCh37 (hg19) VCF-style: chr20-10389289-C-T.
Other names: c.1148G>A, p.Trp383Ter (NM_018848.3); short protein forms W383*.
Identifiers: ClinVar variation 2629959 (VCV002629959.3), dbSNP rs2514490293, ClinGen allele CA408231556.